The following is an entry in ClinVar:

ClinVar aggregate classification (germline): Conflicting classifications of pathogenicity. Review status: criteria provided, conflicting classifications (1 of 4 stars). 3 submissions from 3 submitters: Uncertain significance (2); Benign (1). Last evaluated 2025-11-27.

Conditions:
Dilated cardiomyopathy 1DD (CMD1DD). Identifiers: Orphanet 154, MedGen C2750995, MONDO:0013168, OMIM 613172.
Cardiovascular phenotype. Identifiers: MedGen CN230736.

Allele frequency attached by ClinVar (database versions not stated): gnomAD exomes 0.00001; gnomAD 0.00002.
gnomAD v4.1: 17 of 1,550,738 alleles (0.0011%); highest among the groups gnomAD compares: Admixed American, 0.0059%; no homozygotes.

Submissions (3):

Labcorp Genetics (formerly Invitae), Labcorp
Classification: Benign for Dilated cardiomyopathy 1DD. Last evaluated: 2025-11-27. Review status: criteria provided, single submitter. Criteria: Invitae Variant Classification Sherloc (09022015). Collection method: clinical testing. Allele origin: germline.

Ambry Genetics
Classification: Uncertain significance for Cardiovascular phenotype. Last evaluated: 2023-04-03. Review status: criteria provided, single submitter. Criteria: Ambry Variant Classification Scheme 2023. Collection method: clinical testing. Allele origin: germline.
Comment: The p.V1155M variant (also known as c.3463G>A), located in coding exon 13 of the RBM20 gene, results from a G to A substitution at nucleotide position 3463. The valine at codon 1155 is replaced by methionine, an amino acid with highly similar properties. This amino acid position is conserved. In addition, this alteration is predicted to be deleterious by in silico analysis. Since supporting evidence is limited at this time, the clinical significance of this alteration remains unclear.

CeGaT Center for Human Genetics Tuebingen
Classification: Uncertain significance. Last evaluated: 2022-05-01. Review status: criteria provided, single submitter. Criteria: CeGaT Center For Human Genetics Tuebingen Variant Classification Criteria Version 2. Collection method: clinical testing. Allele origin: germline. Affected: yes. Observed: 2 variant alleles.
Comment: RBM20: PP3

NM_001134363.3(RBM20):c.3463G>A (p.Val1155Met)

Gene: RBM20 (RNA binding motif protein 20; plus strand). Cytogenetic location: 10q25.2.
Variant type: single nucleotide variant.
Coding change: c.3463G>A on transcript NM_001134363.3 (MANE Select); coding-DNA position 3463, G replaced by A.
Protein change: p.Val1155Met; replaces valine 1155 with methionine.
Molecular consequence: missense variant.
Genome position (GRCh38, 1-based): chr10:110,831,072, G>A. VCF-style: chr10-110831072-G-A. GRCh37 (hg19) VCF-style: chr10-112590830-G-A.
Other names: c.3463G>A (NM_001134363.1); short protein forms V1155M.
Identifiers: ClinVar variation 1510191 (VCV001510191.33), dbSNP rs1473408518, ClinGen allele CA378386374.
Genomic context (GRCh38, chr10:110,831,072, plus strand): 5'-CCTCCCATGCCATCCTAACCCTGCGTGTCTATCCCCCATCCTTTCCCAGGGGTGGAGTTC[G>A]TGGTTCCCAGGACTGGCTTTTATTGCAAGCTGTGTGGGCTGTTCTACACGAGCGAGGAGA-3'
Protein context (NP_001127835.2, residues 1145-1165): ELSIPLGVEF[Val1155Met]VPRTGFYCKL